The following is an entry in ClinVar:

NM_006231.4(POLE):c.1474-2A>G

Gene: POLE (DNA polymerase epsilon, catalytic subunit; minus strand). Cytogenetic location: 12q24.33.
Variant type: single nucleotide variant.
Coding change: c.1474-2A>G on transcript NM_006231.4 (MANE Select); the canonical splice acceptor site of the intron before coding-DNA position 1474, A replaced by G.
Molecular consequence: splice acceptor variant.
Genome position (GRCh38, 1-based): chr12:132,672,841, T>C on the plus strand (A>G on the coding strand, the complement: POLE is on the minus strand). VCF-style: chr12-132672841-T-C. GRCh37 (hg19) VCF-style: chr12-133249427-T-C.
Identifiers: ClinVar variation 1773428 (VCV001773428.3), dbSNP rs750060381, ClinGen allele CA6893934.

ClinVar aggregate classification (germline): Uncertain significance (1 of 4 stars; one submission).

Conditions:
Hereditary cancer-predisposing syndrome. Also called: Tumor predisposition; Hereditary Cancer Syndrome; Hereditary neoplastic syndrome; Neoplastic Syndromes, Hereditary. Identifiers: Orphanet 140162, MedGen C0027672, MeSH D009386, MONDO:0015356.

Allele frequency attached by ClinVar (database versions not stated): ExAC 0.00001; gnomAD exomes below 0.00001.
gnomAD v4.1: 3 of 1,612,882 alleles (0.00019%); highest among the groups gnomAD compares: Non-Finnish European, 0.00025%; no homozygotes.

Submission:

Ambry Genetics
Classification: Uncertain significance for Hereditary cancer-predisposing syndrome. Last evaluated: 2026-02-05. Review status: criteria provided, single submitter. Criteria: Ambry Variant Classification Scheme 2023. Collection method: clinical testing. Allele origin: germline.
Comment: The c.1474-2A>G intronic variant results from an A to G substitution two nucleotides upstream from coding exon 15 in the POLE gene. Variants that disrupt the canonical splice site are expected to result in aberrant splicing. In silico splice site analysis predicts that this alteration will weaken the native splice acceptor site. A resulting transcript is predicted to be in-frame and is not expected to trigger nonsense-mediated mRNA decay; although, direct evidence is unavailable. This nucleotide position is highly conserved in available vertebrate species. Based on the available evidence, the clinical significance of this variant remains unclear.